The following is an entry in ClinVar:

NM_002382.5(MAX):c.46C>G (p.Pro16Ala)

Gene: MAX (MYC associated transcriptional regulator X; minus strand). Cytogenetic location: 14q23.3.
Variant type: single nucleotide variant.
Coding change: c.46C>G on transcript NM_002382.5 (MANE Select); coding-DNA position 46, C replaced by G.
Protein change: p.Pro16Ala; replaces proline 16 with alanine.
Molecular consequence: missense variant. On other transcripts: 5 prime UTR variant (1), intron variant (3).
Genome position (GRCh38, 1-based): chr14:65,101,563, G>C on the plus strand (C>G on the coding strand, the complement: MAX is on the minus strand). VCF-style: chr14-65101563-G-C. GRCh37 (hg19) VCF-style: chr14-65568281-G-C.
Other names: c.-229C>G (NM_001320415.2, NM_001407105.1, NM_001407106.1); c.46C>G, p.Pro16Ala (NM_001407094.1, NM_001407096.1, NM_001407097.1 and 6 more transcripts); c.-322C>G (NM_001407111.1); c.69C>G, p.Asn23Lys (NM_001407114.1); c.36+741C>G (NM_001271069.2, NM_145112.3, NM_001271068.2); short protein forms N23K, P16A.
Identifiers: ClinVar variation 2057446 (VCV002057446.7), dbSNP rs751344230, ClinGen allele CA390038769.

ClinVar aggregate classification (germline): Uncertain significance. Review status: criteria provided, multiple submitters, no conflicts (2 of 4 stars). 2 submissions from 2 submitters: Uncertain significance (2). Last evaluated 2025-12-18.

Conditions:
Hereditary cancer-predisposing syndrome. Also called: Tumor predisposition; Hereditary Cancer Syndrome; Hereditary neoplastic syndrome; Neoplastic Syndromes, Hereditary. Identifiers: Orphanet 140162, MedGen C0027672, MeSH D009386, MONDO:0015356.
Hereditary pheochromocytoma and paraganglioma. Also called: Hereditary paragangliomas and pheochromocytomas; Hereditary Paraganglioma-Pheochromocytoma Syndromes; Hereditary pheochromocytoma-paraganglioma. Identifiers: Orphanet 29072, MedGen C4274332, MONDO:0017366.

Allele frequency attached by ClinVar (database versions not stated): gnomAD 0.00001.
gnomAD v4.1: 1 of 1,608,158 alleles (0.000062%); highest among the groups gnomAD compares: Non-Finnish European, 0.000085%; no homozygotes.

Submissions (2):

Ambry Genetics
Classification: Uncertain significance for Hereditary cancer-predisposing syndrome. Last evaluated: 2025-12-18. Review status: criteria provided, single submitter. Criteria: Ambry Variant Classification Scheme 2023. Collection method: clinical testing. Allele origin: germline.
Comment: The p.P16A variant (also known as c.46C>G), located in coding exon 2 of the MAX gene, results from a C to G substitution at nucleotide position 46. The proline at codon 16 is replaced by alanine, an amino acid with highly similar properties. This amino acid position is conserved. In addition, the in silico prediction for this alteration is inconclusive. Since supporting evidence is limited at this time, the clinical significance of this alteration remains unclear.

Labcorp Genetics (formerly Invitae), Labcorp
Classification: Uncertain significance for Hereditary pheochromocytoma and paraganglioma. Last evaluated: 2024-08-08. Review status: criteria provided, single submitter. Criteria: Invitae Variant Classification Sherloc (09022015). Collection method: clinical testing. Allele origin: germline.
Comment: This sequence change replaces proline, which is neutral and non-polar, with alanine, which is neutral and non-polar, at codon 16 of the MAX protein (p.Pro16Ala). This variant is present in population databases (no rsID available, gnomAD 0.007%). This variant has not been reported in the literature in individuals affected with MAX-related conditions. ClinVar contains an entry for this variant (Variation ID: 2057446). An algorithm developed to predict the effect of missense changes on protein structure and function (PolyPhen-2) suggests that this variant is likely to be tolerated. In summary, the available evidence is currently insufficient to determine the role of this variant in disease. Therefore, it has been classified as a Variant of Uncertain Significance.